The following is an entry in ClinVar:

NM_130468.4(CHST14):c.536G>A (p.Arg179His)

Gene: CHST14 (carbohydrate sulfotransferase 14; plus strand). Cytogenetic location: 15q15.1.
Variant type: single nucleotide variant.
Coding change: c.536G>A on transcript NM_130468.4 (MANE Select); coding-DNA position 536, G replaced by A.
Protein change: p.Arg179His; replaces arginine 179 with histidine.
Molecular consequence: missense variant.
Genome position (GRCh38, 1-based): chr15:40,471,749, G>A. VCF-style: chr15-40471749-G-A. GRCh37 (hg19) VCF-style: chr15-40763948-G-A.
Other names: short protein forms R179H.
Identifiers: ClinVar variation 2195975 (VCV002195975.4), dbSNP rs756707600, ClinGen allele CA391766170.

ClinVar aggregate classification (germline): Uncertain significance. Review status: criteria provided, multiple submitters, no conflicts (2 of 4 stars). 2 submissions from 2 submitters: Uncertain significance (2). Last evaluated 2025-05-02.

Conditions:
Cardiovascular phenotype. Identifiers: MedGen CN230736.
Ehlers-Danlos syndrome, musculocontractural type (EDSMC). Also called: Adducted thumb, clubfoot, progressive joint and skin laxity syndrome; ARTHROGRYPOSIS, DISTAL, WITH PECULIAR FACIES AND HYDRONEPHROSIS; ADDUCTED THUMB-CLUBFOOT SYNDROME; DUNDAR SYNDROME. Identifiers: Orphanet 2953, MedGen C1866294, MONDO:0011142.

gnomAD v4.1: 3 of 1,613,576 alleles (0.00019%); highest among the groups gnomAD compares: Admixed American, 0.0017%; no homozygotes.

Submissions (2):

Ambry Genetics
Classification: Uncertain significance for Cardiovascular phenotype. Last evaluated: 2025-05-02. Review status: criteria provided, single submitter. Criteria: Ambry Variant Classification Scheme 2023. Collection method: clinical testing. Allele origin: germline.
Comment: The p.R179H variant (also known as c.536G>A), located in coding exon 1 of the CHST14 gene, results from a G to A substitution at nucleotide position 536. The arginine at codon 179 is replaced by histidine, an amino acid with highly similar properties. This amino acid position is conserved. In addition, this alteration is predicted to be tolerated by in silico analysis. Based on the available evidence, the clinical significance of this variant remains unclear.

Labcorp Genetics (formerly Invitae), Labcorp
Classification: Uncertain significance for Ehlers-Danlos syndrome, musculocontractural type. Last evaluated: 2022-02-28. Review status: criteria provided, single submitter. Criteria: Invitae Variant Classification Sherloc (09022015). Collection method: clinical testing. Allele origin: germline.
Comment: In summary, the available evidence is currently insufficient to determine the role of this variant in disease. Therefore, it has been classified as a Variant of Uncertain Significance. This sequence change replaces arginine, which is basic and polar, with histidine, which is basic and polar, at codon 179 of the CHST14 protein (p.Arg179His). This variant is not present in population databases (gnomAD no frequency). This variant has not been reported in the literature in individuals affected with CHST14-related conditions. Algorithms developed to predict the effect of missense changes on protein structure and function (SIFT, PolyPhen-2, Align-GVGD) all suggest that this variant is likely to be tolerated.